The following is an entry in ClinVar:

NM_000542.5(SFTPB):c.730G>A (p.Gly244Ser)

Gene: SFTPB (surfactant protein B; minus strand). Cytogenetic location: 2p11.2.
Variant type: single nucleotide variant.
Coding change: c.730G>A on transcript NM_000542.5 (MANE Select); coding-DNA position 730, G replaced by A.
Protein change: p.Gly244Ser; replaces glycine 244 with serine.
Molecular consequence: missense variant.
Genome position (GRCh38, 1-based): chr2:85,663,790, C>T on the plus strand (G>A on the coding strand, the complement: SFTPB is on the minus strand). VCF-style: chr2-85663790-C-T. GRCh37 (hg19) VCF-style: chr2-85890913-C-T.
Other names: c.730G>A, p.Gly244Ser (NM_001367281.2, NM_198843.4); short protein forms G244S.
Identifiers: ClinVar variation 978726 (VCV000978726.6), dbSNP rs1001637675, ClinGen allele CA51751860.
Genomic context (GRCh38, chr2:85,663,790, plus strand): 5'-GGCCCAGCAGCGTGTCGAGCAGGATGACGGAGTAGCGCTCAGCCAGGCACTGGCAGATGC[C>T]GCCCGCCACCAGAGGTACCACGCGGCACACCTGGGCCACTGCCACAGCTAGCGCACCCTG-3'
Protein context (NP_000533.4, residues 234-254): VCRVVPLVAG[Gly244Ser]ICQCLAERYS

ClinVar aggregate classification (germline): Likely pathogenic. Review status: criteria provided, single submitter (1 of 4 stars). 2 submissions from 2 submitters: Likely pathogenic (1). 1 of the submissions does not count toward it. Last evaluated 2017-06-13.

Conditions:
Surfactant metabolism dysfunction, pulmonary, 1. Also called: Pulmonary surfactant protein B, deficiency of; Neonatal acute respiratory distress due to SP-B deficiency; INTERSTITIAL LUNG DISEASE DUE TO SURFACTANT PROTEIN B DEFICIENCY; INTERSTITIAL LUNG DISEASE, NONSPECIFIC, DUE TO SURFACTANT PROTEIN B DEFICIENCY; PULMONARY ALVEOLAR PROTEINOSIS, CONGENITAL, 1. Identifiers: Orphanet 217563, MedGen C1968602, MONDO:0009929, OMIM 265120.
Hereditary pulmonary alveolar proteinosis. Also called: Pulmonary surfactant metabolism dysfunction. Identifiers: Orphanet 264675, MedGen C3711368, MONDO:0012580.

Allele frequency attached by ClinVar (database versions not stated): gnomAD exomes below 0.00001; gnomAD 0.00001; TOPMed 0.00001.

Submissions (2):

Ambry Genetics
Classification: Likely pathogenic for Hereditary pulmonary alveolar proteinosis. Last evaluated: 2017-06-13. Review status: criteria provided, single submitter. Criteria: Ambry Variant Classification Scheme 2023. Collection method: clinical testing. Allele origin: germline.
Comment: The p.G256S variant (also known as c.766G>A and G244S), located in coding exon 7 of the SFTPB gene, results from a G to A substitution at nucleotide position 766. The glycine at codon 256 is replaced by serine, an amino acid with similar properties. In our internal cohort, this variant was identified in trans with a frameshift alteration and also in the homozygous state in two individuals with surfactant protein B deficiency. This amino acid position is highly conserved in available vertebrate species. In addition, the in silico prediction for this alteration is inconclusive. Based on the majority of available evidence to date, this variant is likely to be pathogenic.

Center for Molecular Medicine, Children’s Hospital of Fudan University
Classification: Likely pathogenic for Surfactant metabolism dysfunction, pulmonary, 1. Last evaluated: 2020-07-07. Review status: no assertion criteria provided. Collection method: clinical testing. Allele origin: paternal. Affected: yes. Not counted in ClinVar's aggregate classification.